The following is an entry in ClinVar:

ClinVar aggregate classification (germline): Uncertain significance (1 of 4 stars; one submission).

Submission:

Labcorp Genetics (formerly Invitae), Labcorp
Classification: Uncertain significance. Last evaluated: 2022-10-03. Review status: criteria provided, single submitter. Criteria: Invitae Variant Classification Sherloc (09022015). Collection method: clinical testing. Allele origin: germline.
Comment: This sequence change replaces lysine, which is basic and polar, with threonine, which is neutral and polar, at codon 561 of the PPP2R1A protein (p.Lys561Thr). This variant is not present in population databases (gnomAD no frequency). This variant has not been reported in the literature in individuals affected with PPP2R1A-related conditions. Advanced modeling of protein sequence and biophysical properties (such as structural, functional, and spatial information, amino acid conservation, physicochemical variation, residue mobility, and thermodynamic stability) performed at Invitae indicates that this missense variant is expected to disrupt PPP2R1A protein function. In summary, the available evidence is currently insufficient to determine the role of this variant in disease. Therefore, it has been classified as a Variant of Uncertain Significance.

NM_014225.6(PPP2R1A):c.1682A>C (p.Lys561Thr)

Gene: PPP2R1A (protein phosphatase 2 scaffold subunit Aalpha; plus strand). Cytogenetic location: 19q13.41.
Variant type: single nucleotide variant.
Coding change: c.1682A>C on transcript NM_014225.6 (MANE Select); coding-DNA position 1682, A replaced by C.
Protein change: p.Lys561Thr; replaces lysine 561 with threonine.
Molecular consequence: missense variant. On other transcripts: non-coding transcript variant (1).
Genome position (GRCh38, 1-based): chr19:52,225,737, A>C. VCF-style: chr19-52225737-A-C. GRCh37 (hg19) VCF-style: chr19-52728990-A-C.
Other names: c.1145A>C, p.Lys382Thr (NM_001363656.2); short protein forms K561T, K382T.
Identifiers: ClinVar variation 2117629 (VCV002117629.4), dbSNP rs760638097, ClinGen allele CA407159239.